The following is an entry in ClinVar:

NM_025176.6(NINL):c.881G>A (p.Cys294Tyr)

Gene: NINL (ninein like; minus strand). Cytogenetic location: 20p11.21.
Variant type: single nucleotide variant.
Coding change: c.881G>A on transcript NM_025176.6 (MANE Select); coding-DNA position 881, G replaced by A.
Protein change: p.Cys294Tyr; replaces cysteine 294 with tyrosine.
Molecular consequence: missense variant.
Genome position (GRCh38, 1-based): chr20:25,500,991, C>T on the plus strand (G>A on the coding strand, the complement: NINL is on the minus strand). VCF-style: chr20-25500991-C-T. GRCh37 (hg19) VCF-style: chr20-25481627-C-T.
Other names: c.881G>A, p.Cys294Tyr (NM_001318226.2); short protein forms C294Y.
Identifiers: ClinVar variation 2632724 (VCV002632724.4), dbSNP rs1185062802, ClinGen allele CA408463075.

ClinVar aggregate classification (germline): Uncertain significance (1 of 4 stars; one submission).

Conditions:
NINL-related disorder. Also called: NINL-related condition.

Submission:

PreventionGenetics, part of Exact Sciences
Classification: Uncertain significance for NINL-related condition. Last evaluated: 2025-03-12. Review status: criteria provided, single submitter. Criteria: ACMG Guidelines, 2015. Collection method: clinical testing. Allele origin: germline.
Comment: The NINL c.881G>A variant is predicted to result in the amino acid substitution p.Cys294Tyr. To our knowledge, this variant has not been reported in the literature or in a large population database, indicating this variant is rare. At this time, the clinical significance of this variant is uncertain due to the absence of conclusive functional and genetic evidence.